The following is an entry in ClinVar:

ClinVar aggregate classification (germline): Uncertain significance (1 of 4 stars; one submission).

Submission:

Labcorp Genetics (formerly Invitae), Labcorp
Classification: Uncertain significance. Last evaluated: 2022-09-17. Review status: criteria provided, single submitter. Criteria: Invitae Variant Classification Sherloc (09022015). Collection method: clinical testing. Allele origin: germline.
Comment: This sequence change creates a premature translational stop signal (p.Ala162Serfs*12) in the SIAE gene. It is expected to result in an absent or disrupted protein product. However, the current clinical and genetic evidence is not sufficient to establish whether loss-of-function variants in SIAE cause disease. This variant is not present in population databases (gnomAD no frequency). This variant has not been reported in the literature in individuals affected with SIAE-related conditions. In summary, the available evidence is currently insufficient to determine the role of this variant in disease. Therefore, it has been classified as a Variant of Uncertain Significance.

NM_170601.5(SIAE):c.483dup (p.Ala162fs)

Gene: SIAE (sialic acid acetylesterase; minus strand). Cytogenetic location: 11q24.2.
Variant type: Duplication.
Coding change: c.483dup on transcript NM_170601.5 (MANE Select); coding-DNA position 483, one base duplicated (A; older notation c.483dupA).
Protein change: p.Ala162fs; shifts the reading frame from alanine 162.
Molecular consequence: frameshift variant.
Genome position (GRCh38, 1-based): chr11:124,654,716, T duplicated on the plus strand (A on the coding strand, the reverse complement: SIAE is on the minus strand); the first of 2 consecutive T bases (chr11:124,654,716-124,654,717); duplicating either gives the same sequence. VCF-style (leftmost placement, unchanged base first): chr11-124654715-C-CT. GRCh37 (hg19) VCF-style: chr11-124524611-C-CT.
Other names: c.378dup, p.Ala127fs (NM_001199922.2); short protein forms A127fs, A162fs.
Identifiers: ClinVar variation 1969416 (VCV001969416.5), dbSNP rs2496918532, ClinGen allele CA2580083759.